The following is an entry in ClinVar:

NM_001035.3(RYR2):c.9161A>G (p.Lys3054Arg)

Gene: RYR2 (ryanodine receptor 2; plus strand). Cytogenetic location: 1q43.
Variant type: single nucleotide variant.
Coding change: c.9161A>G on transcript NM_001035.3 (MANE Select); coding-DNA position 9161, A replaced by G.
Protein change: p.Lys3054Arg; replaces lysine 3054 with arginine.
Molecular consequence: missense variant.
Genome position (GRCh38, 1-based): chr1:237,700,261, A>G. VCF-style: chr1-237700261-A-G. GRCh37 (hg19) VCF-style: chr1-237863561-A-G.
Other names: p.K3054R:AAA>AGA; c.9161A>G, p.Lys3054Arg (LRG_402t1); short protein forms K3054R.
Identifiers: ClinVar variation 201392 (VCV000201392.2), dbSNP rs794728824, ClinGen allele CA011144.

ClinVar aggregate classification (germline): Uncertain significance (1 of 4 stars; one submission).

gnomAD v4.1: 1 of 1,578,380 alleles (0.000063%); no homozygotes.

Submission:

GeneDx
Classification: Uncertain significance. Last evaluated: 2016-12-07. Review status: criteria provided, single submitter. Criteria: GeneDx Variant Classification (06012015). Collection method: clinical testing. Allele origin: germline. Affected: yes.
Comment: p.Lys3054Arg (AAA>AGA): c.9161 A>G in exon 65 of the RYR2 gene (NM_001035.2). The K3054R variant has not been published as a mutation, nor has it been reported as a benign polymorphism to our knowledge. The K3054R variant was not observed in approximately 6,000 individuals of European and African American ancestry in the NHLBI Exome Sequencing Project, indicating it is not a common benign variant in these populations. This substitution occurs at a position that is conserved across species. However, the K3054R variant is a conservative amino acid substitution, which is not likely to impact secondary protein structure as these residues share similar properties. In silico analysis predicts this variant likely does not alter the protein structure/function. Furthermore, no missense mutations in nearby residues have been reported, indicating that this region of the protein may be tolerant of change. Therefore, based on the currently available information, it is unclear whether this variant is a pathogenic mutation or a rare benign variant. The variant is found in CARDIOMYOPATHY panel(s).